The following is an entry in ClinVar:

ClinVar aggregate classification (germline): Uncertain significance (1 of 4 stars; one submission).

Conditions:
Microcephaly-intellectual disability-sensorineural hearing loss-epilepsy-abnormal muscle tone syndrome (NEDHSB). Also called: NEURODEVELOPMENTAL DISORDER WITH HEARING LOSS, SEIZURES, AND BRAIN ABNORMALITIES. Identifiers: Orphanet 457351, MedGen C4225276, MONDO:0014698, OMIM 616577.

Allele frequency attached by ClinVar (database versions not stated): gnomAD exomes below 0.00001; TOPMed below 0.00001; gnomAD 0.00001; ExAC 0.00002.
gnomAD v4.1: 5 of 1,614,100 alleles (0.00031%); highest among the groups gnomAD compares: Non-Finnish European, 0.00042%; no homozygotes.

Submission:

Labcorp Genetics (formerly Invitae), Labcorp
Classification: Uncertain significance for Microcephaly-intellectual disability-sensorineural hearing loss-epilepsy-abnormal muscle tone syndrome. Last evaluated: 2022-01-28. Review status: criteria provided, single submitter. Criteria: Invitae Variant Classification Sherloc (09022015). Collection method: clinical testing. Allele origin: germline.
Comment: This variant is present in population databases (rs771391014, gnomAD 0.002%). In summary, the available evidence is currently insufficient to determine the role of this variant in disease. Therefore, it has been classified as a Variant of Uncertain Significance. Algorithms developed to predict the effect of missense changes on protein structure and function (SIFT, PolyPhen-2, Align-GVGD) all suggest that this variant is likely to be tolerated. This variant has not been reported in the literature in individuals affected with SPATA5-related conditions. This sequence change replaces asparagine, which is neutral and polar, with aspartic acid, which is acidic and polar, at codon 262 of the SPATA5 protein (p.Asn262Asp).

NM_145207.3(AFG2A):c.784A>G (p.Asn262Asp)

Gene: AFG2A (AAA ATPase AFG2A; plus strand). Cytogenetic location: 4q28.1.
Variant type: single nucleotide variant.
Coding change: c.784A>G on transcript NM_145207.3 (MANE Select); coding-DNA position 784, A replaced by G.
Protein change: p.Asn262Asp; replaces asparagine 262 with aspartic acid.
Molecular consequence: missense variant.
Genome position (GRCh38, 1-based): chr4:122,934,375, A>G. VCF-style: chr4-122934375-A-G. GRCh37 (hg19) VCF-style: chr4-123855530-A-G.
Other names: c.781A>G, p.Asn261Asp (NM_001317799.2, NM_001345856.2); short protein forms N261D, N262D.
Identifiers: ClinVar variation 2193138 (VCV002193138.3), dbSNP rs771391014, ClinGen allele CA3070319.
Genomic context (GRCh38, chr4:122,934,375, plus strand): 5'-GATACCCAGATCCCAACATCAAGAAGTACTCCTTATAAACCAATTGATGACAGAATTACA[A>G]ATAAAGCCAGTGATGTTTTGCTGGATGTTACACAGAGCCCTGGAGATGGCAGTGGACTTA-3'
Protein context (NP_660208.2, residues 252-272): PYKPIDDRIT[Asn262Asp]KASDVLLDVT